The following is an entry in ClinVar:

ClinVar aggregate classification (germline): Uncertain significance (1 of 4 stars; one submission).

Allele frequency attached by ClinVar (database versions not stated): gnomAD exomes below 0.00001.
gnomAD v4.1: 1 of 1,614,210 alleles (0.000062%); highest among the groups gnomAD compares: Admixed American, 0.0017%; no homozygotes.

Submission:

Labcorp Genetics (formerly Invitae), Labcorp
Classification: Uncertain significance. Last evaluated: 2023-02-21. Review status: criteria provided, single submitter. Criteria: Invitae Variant Classification Sherloc (09022015). Collection method: clinical testing. Allele origin: germline.
Comment: This sequence change replaces alanine, which is neutral and non-polar, with valine, which is neutral and non-polar, at codon 68 of the COCH protein (p.Ala68Val). In summary, the available evidence is currently insufficient to determine the role of this variant in disease. Therefore, it has been classified as a Variant of Uncertain Significance. Algorithms developed to predict the effect of missense changes on protein structure and function (SIFT, PolyPhen-2, Align-GVGD) all suggest that this variant is likely to be disruptive. This variant has not been reported in the literature in individuals affected with COCH-related conditions. This variant is present in population databases (no rsID available, gnomAD 0.003%).

NM_004086.3(COCH):c.203C>T (p.Ala68Val)

Genes: COCH (cochlin; plus strand), COCH-AS1 (COCH antisense RNA 1; minus strand). Cytogenetic location: 14q12.
Variant type: single nucleotide variant.
Coding change: c.203C>T on transcript NM_004086.3 (MANE Select); coding-DNA position 203, C replaced by T.
Protein change: p.Ala68Val; replaces alanine 68 with valine.
Molecular consequence: missense variant.
Genome position (GRCh38, 1-based): chr14:30,877,692, C>T. VCF-style: chr14-30877692-C-T. GRCh37 (hg19) VCF-style: chr14-31346898-C-T.
Other names: c.203C>T, p.Ala68Val (NM_001135058.2); c.398C>T, p.Ala133Val (NM_001347720.2); short protein forms A68V, A133V.
Identifiers: ClinVar variation 2812560 (VCV002812560.3), dbSNP rs1196260691, ClinGen allele CA389344174.